The following is an entry in ClinVar:

ClinVar aggregate classification (germline): Pathogenic. Review status: criteria provided, multiple submitters, no conflicts (2 of 4 stars). 4 submissions from 4 submitters: Pathogenic (3). 1 of the submissions does not count toward it. Last evaluated 2024-08-21.

Conditions:
Galactosylceramide beta-galactosidase deficiency. Also called: GALACTOCEREBROSIDASE DEFICIENCY; GALC DEFICIENCY; GLOBOID CELL LEUKOENCEPHALOPATHY; Leukodystrophy, Globoid Cell; Krabbe Disease. Identifiers: Orphanet 487, MedGen C0023521, MONDO:0009499, OMIM 245200.

Allele frequency attached by ClinVar (database versions not stated): gnomAD exomes below 0.00001.
gnomAD v4.1: 2 of 1,583,046 alleles (0.00013%); highest among the groups gnomAD compares: East Asian, 0.0022%; no homozygotes.

Submissions (4):

Revvity Omics, Revvity
Classification: Pathogenic. Last evaluated: 2024-08-21. Review status: criteria provided, single submitter. Criteria: ACMG Guidelines, 2015. Collection method: clinical testing. Allele origin: germline.

Labcorp Genetics (formerly Invitae), Labcorp
Classification: Pathogenic for Galactosylceramide beta-galactosidase deficiency. Last evaluated: 2024-03-09. Review status: criteria provided, single submitter. Criteria: Invitae Variant Classification Sherloc (09022015). Collection method: clinical testing. Allele origin: germline.
Comment: This sequence change creates a premature translational stop signal (p.Ser200*) in the GALC gene. It is expected to result in an absent or disrupted protein product. Loss-of-function variants in GALC are known to be pathogenic (PMID: 7437911, 9272171, 16607461). This variant is not present in population databases (gnomAD no frequency). This premature translational stop signal has been observed in individual(s) with Krabbe disease (PMID: 23462331). In at least one individual the data is consistent with being in trans (on the opposite chromosome) from a pathogenic variant. ClinVar contains an entry for this variant (Variation ID: 189003). Algorithms developed to predict the effect of sequence changes on RNA splicing suggest that this variant may disrupt the consensus splice site. For these reasons, this variant has been classified as Pathogenic.

Juno Genomics, Hangzhou Juno Genomics, Inc
Classification: Pathogenic for Galactosylceramide beta-galactosidase deficiency. Review status: criteria provided, single submitter. Criteria: ACMG Guidelines, 2015. Collection method: clinical testing. Allele origin: germline. Affected: yes.
Comment: Absent from controls (or at extremely low frequency if recessive) in Genome Aggregation Database.;Null variant in a gene where loss of function (LOF) is a known mechanism of disease.;For recessive disorders, detected in trans with a pathogenic variant.;Patient's phenotype or family history is highly specific for a disease with a single genetic etiology.

Counsyl
Classification: Likely pathogenic for Galactosylceramide beta-galactosidase deficiency. Last evaluated: 2014-10-08. Review status: no assertion criteria provided. Collection method: literature only. Allele origin: unknown. Inheritance: Autosomal recessive inheritance. Not counted in ClinVar's aggregate classification.

Literature cited by the submitters: PubMed 7437911 (cited by Labcorp Genetics (formerly Invitae), Labcorp); PubMed 9272171 (cited by Labcorp Genetics (formerly Invitae), Labcorp); PubMed 16607461 (cited by Labcorp Genetics (formerly Invitae), Labcorp); PubMed 23462331 (cited by Labcorp Genetics (formerly Invitae), Labcorp and Counsyl).

NM_000153.4(GALC):c.599C>A (p.Ser200Ter)

Gene: GALC (galactosylceramidase; minus strand). Cytogenetic location: 14q31.3.
Variant type: single nucleotide variant.
Coding change: c.599C>A on transcript NM_000153.4 (MANE Select); coding-DNA position 599, C replaced by A.
Protein change: p.Ser200Ter; replaces serine 200 with a stop codon.
Molecular consequence: nonsense.
Genome position (GRCh38, 1-based): chr14:87,982,227, G>T on the plus strand (C>A on the coding strand, the complement: GALC is on the minus strand). VCF-style: chr14-87982227-G-T. GRCh37 (hg19) VCF-style: chr14-88448571-G-T.
Other names: c.530C>A, p.Ser177Ter (NM_001201401.2); c.521C>A, p.Ser174Ter (NM_001201402.2); short protein forms S200*, S174*, S177*.
Identifiers: ClinVar variation 189003 (VCV000189003.15), dbSNP rs786204618, ClinGen allele CA274237.